The following is an entry in ClinVar:

NM_001077653.2(TBX20):c.745G>A (p.Glu249Lys)

Gene: TBX20 (T-box transcription factor 20; minus strand). Cytogenetic location: 7p14.2.
Variant type: single nucleotide variant.
Coding change: c.745G>A on transcript NM_001077653.2 (MANE Select); coding-DNA position 745, G replaced by A.
Protein change: p.Glu249Lys; replaces glutamic acid 249 with lysine.
Molecular consequence: missense variant.
Genome position (GRCh38, 1-based): chr7:35,240,947, C>T on the plus strand (G>A on the coding strand, the complement: TBX20 is on the minus strand). VCF-style: chr7-35240947-C-T. GRCh37 (hg19) VCF-style: chr7-35280559-C-T.
Other names: c.745G>A, p.Glu249Lys (NM_001166220.1); short protein forms E249K.
Identifiers: ClinVar variation 1759013 (VCV001759013.2), dbSNP rs2546993205, ClinGen allele CA367264033.

ClinVar aggregate classification (germline): Uncertain significance (1 of 4 stars; one submission).

Conditions:
Cardiovascular phenotype. Identifiers: MedGen CN230736.

Allele frequency attached by ClinVar (database versions not stated): gnomAD exomes below 0.00001.
gnomAD v4.1: 3 of 1,613,864 alleles (0.00019%); highest among the groups gnomAD compares: Non-Finnish European, 0.00025%; no homozygotes.

Submission:

Ambry Genetics
Classification: Uncertain significance for Cardiovascular phenotype. Last evaluated: 2022-02-08. Review status: criteria provided, single submitter. Criteria: Ambry Variant Classification Scheme 2023. Collection method: clinical testing. Allele origin: germline.
Comment: The p.E249K variant (also known as c.745G>A), located in coding exon 5 of the TBX20 gene, results from a G to A substitution at nucleotide position 745. The glutamic acid at codon 249 is replaced by lysine, an amino acid with similar properties. This amino acid position is conserved. In addition, this alteration is predicted to be deleterious by in silico analysis. Since supporting evidence is limited at this time, the clinical significance of this alteration remains unclear.